The following is an entry in ClinVar:

NM_004104.5(FASN):c.1648G>A (p.Val550Ile)

Gene: FASN (fatty acid synthase; minus strand). Cytogenetic location: 17q25.3.
Variant type: single nucleotide variant.
Coding change: c.1648G>A on transcript NM_004104.5 (MANE Select); coding-DNA position 1648, G replaced by A.
Protein change: p.Val550Ile; replaces valine 550 with isoleucine.
Molecular consequence: missense variant.
Genome position (GRCh38, 1-based): chr17:82,090,914, C>T on the plus strand (G>A on the coding strand, the complement: FASN is on the minus strand). VCF-style: chr17-82090914-C-T. GRCh37 (hg19) VCF-style: chr17-80048790-C-T.
Other names: short protein forms V550I.
Identifiers: ClinVar variation 855434 (VCV000855434.7), dbSNP rs779383660, ClinGen allele CA8853079.
Genomic context (GRCh38, chr17:82,090,914, plus strand): 5'-GCTCACACGCTGGCAGGCTGGGCCCTACCTGGATGGCAGTCAGGCTCACAAACGAATGGA[C>T]GATGTCATCAAAGGTGCTCTCGTCTGTGCTCAGCAGCAGCTGTGACACCTTCAGGCCGAA-3'
Protein context (NP_004095.4, residues 540-560): STDESTFDDI[Val550Ile]HSFVSLTAIQ

ClinVar aggregate classification (germline): Uncertain significance (1 of 4 stars; one submission).

Conditions:
Epileptic encephalopathy. Identifiers: MedGen C0543888, HP:0200134.

Allele frequency attached by ClinVar (database versions not stated): gnomAD 0.00002; TOPMed 0.00004; gnomAD exomes 0.00005; ExAC 0.00007.

Submission:

Labcorp Genetics (formerly Invitae), Labcorp
Classification: Uncertain significance for Epileptic encephalopathy. Last evaluated: 2025-08-15. Review status: criteria provided, single submitter. Criteria: Invitae Variant Classification Sherloc (09022015). Collection method: clinical testing. Allele origin: germline.
Comment: This sequence change replaces valine, which is neutral and non-polar, with isoleucine, which is neutral and non-polar, at codon 550 of the FASN protein (p.Val550Ile). This variant is present in population databases (rs779383660, gnomAD 0.02%). This variant has not been reported in the literature in individuals affected with FASN-related conditions. ClinVar contains an entry for this variant (Variation ID: 855434). An algorithm developed to predict the effect of missense changes on protein structure and function outputs the following: PolyPhen-2: "Benign". The isoleucine amino acid residue is found in multiple mammalian species, which suggests that this missense change does not adversely affect protein function. In summary, the available evidence is currently insufficient to determine the role of this variant in disease. Therefore, it has been classified as a Variant of Uncertain Significance.